The following is an entry in ClinVar:

ClinVar aggregate classification (germline): Benign/Likely benign. Review status: criteria provided, multiple submitters, no conflicts (2 of 4 stars). 3 submissions from 3 submitters: Benign (1); Likely benign (2). Last evaluated 2018-11-12.

Conditions:
Primary hyperoxaluria type 3. Also called: PH III. Identifiers: Orphanet 416, Orphanet 93600, MedGen C3150878, MONDO:0013327, OMIM 613616. Disease mechanism: loss of function.

Allele frequency attached by ClinVar (database versions not stated): gnomAD 0.02511 and 0.02768; gnomAD exomes 0.02666; TOPMed 0.03157; 1000 Genomes Project 30x 0.05215; 1000 Genomes Project 0.05331.
gnomAD v4.1: 11,419 of 418,560 alleles (2.7%); highest among the groups gnomAD compares: Admixed American, 8%; 284 homozygotes.

Submissions (3):

GeneDx
Classification: Likely benign. Last evaluated: 2018-11-12. Review status: criteria provided, single submitter. Criteria: GeneDx Variant Classification Process June 2021. Collection method: clinical testing. Allele origin: germline. Affected: yes.

Illumina Laboratory Services, Illumina
Classification: Benign for Primary hyperoxaluria type 3. Last evaluated: 2018-01-13. Review status: criteria provided, single submitter. Criteria: ICSL Variant Classification Criteria 13 December 2019. Collection method: clinical testing. Allele origin: germline.
Comment: This variant was observed in the ICSL laboratory as part of a predisposition screen in an ostensibly healthy population. It had not been previously curated by ICSL or reported in the Human Gene Mutation Database (HGMD: prior to June 1st, 2018), and was therefore a candidate for classification through an automated scoring system. Utilizing variant allele frequency, disease prevalence and penetrance estimates, and inheritance mode, an automated score was calculated to assess if this variant is too frequent to cause the disease. Based on the score and internal cut-off values, a variant classified as benign is not then subjected to further curation. The score for this variant resulted in a classification of benign for this disease.

Breakthrough Genomics
Classification: Likely benign. Review status: criteria provided, single submitter. Criteria: ACMG Guidelines, 2015. Collection method: not provided. Allele origin: germline. Inheritance: Autosomal recessive inheritance. Affected: yes.

NM_138413.4(HOGA1):c.-279G>A

Gene: HOGA1 (4-hydroxy-2-oxoglutarate aldolase 1; plus strand). Cytogenetic location: 10q24.2.
Variant type: single nucleotide variant.
Coding change: c.-279G>A on transcript NM_138413.4 (MANE Select); 279 bases upstream of the start codon, G replaced by A.
Molecular consequence: 5 prime UTR variant.
Genome position (GRCh38, 1-based): chr10:97,584,425, G>A. VCF-style: chr10-97584425-G-A. GRCh37 (hg19) VCF-style: chr10-99344182-G-A.
Other names: c.-279G>A (NM_001134670.2).
Identifiers: ClinVar variation 301787 (VCV000301787.9), dbSNP rs41309988, ClinGen allele CA10629548.